The following is an entry in ClinVar:

NM_001011.4(RPS7):c.274GTC[1] (p.Val93del)

Gene: RPS7 (ribosomal protein S7; plus strand). Cytogenetic location: 2p25.3.
Variant type: Microsatellite.
Coding change: c.274GTC[1] on transcript NM_001011.4 (MANE Select); one copy of the 3-base unit GTC starting at c.274; the reference has two copies in a row; one copy, 3 bases deleted.
Protein change: p.Val93del; deletes valine 93.
Molecular consequence: inframe deletion.
Genome position (GRCh38, 1-based): chr2:3,576,616-3,576,618, GTC deleted; deleting any 3 consecutive bases within chr2:3,576,613-3,576,618 gives the same sequence; the position shown is the placement nearest the transcript's 3' end. VCF-style (leftmost placement, unchanged base first): chr2-3576612-TGTC-T. GRCh37 (hg19) VCF-style: chr2-3624202-TGTC-T.
Other names: short protein forms V93del.
Identifiers: ClinVar variation 537186 (VCV000537186.8), dbSNP rs1553342919, ClinGen allele CA658795674.

ClinVar aggregate classification (germline): Uncertain significance (1 of 4 stars; one submission).

Conditions:
Diamond-Blackfan anemia 8 (DBA8). Also called: RPS7-Related Diamond-Blackfan Anemia. Identifiers: Orphanet 124, MedGen C2675511, MONDO:0012939, OMIM 612563.

Submission:

Labcorp Genetics (formerly Invitae), Labcorp
Classification: Uncertain significance for Diamond-Blackfan anemia 8. Last evaluated: 2022-02-17. Review status: criteria provided, single submitter. Criteria: Invitae Variant Classification Sherloc (09022015). Collection method: clinical testing. Allele origin: germline.
Comment: This variant, c.277_279del, results in the deletion of 1 amino acid(s) of the RPS7 protein (p.Val93del), but otherwise preserves the integrity of the reading frame. This variant is not present in population databases (gnomAD no frequency). This variant has been observed in individual(s) with clinical features of Diamond-Blackfan anemia (Invitae). ClinVar contains an entry for this variant (Variation ID: 537186). Experimental studies and prediction algorithms are not available or were not evaluated, and the functional significance of this variant is currently unknown. Algorithms developed to predict the effect of sequence changes on RNA splicing suggest that this variant is not likely to affect RNA splicing. In summary, the available evidence is currently insufficient to determine the role of this variant in disease. Therefore, it has been classified as a Variant of Uncertain Significance.